The following is an entry in ClinVar:

NM_000059.4(BRCA2):c.6232G>C (p.Gly2078Arg)

Gene: BRCA2 (BRCA2 DNA repair associated; plus strand). Cytogenetic location: 13q13.1.
Variant type: single nucleotide variant.
Coding change: c.6232G>C on transcript NM_000059.4 (MANE Select); coding-DNA position 6232, G replaced by C.
Protein change: p.Gly2078Arg; replaces glycine 2078 with arginine.
Molecular consequence: missense variant.
Genome position (GRCh38, 1-based): chr13:32,340,587, G>C. VCF-style: chr13-32340587-G-C. GRCh37 (hg19) VCF-style: chr13-32914724-G-C.
Other names: short protein forms G2078R.
Identifiers: ClinVar variation 462400 (VCV000462400.14), dbSNP rs1555284605, ClinGen allele CA387788895.

ClinVar aggregate classification (germline): Conflicting classifications of pathogenicity. Review status: criteria provided, conflicting classifications (1 of 4 stars). 3 submissions from 3 submitters: Uncertain significance (2); Likely benign (1). Last evaluated 2025-10-29.

Conditions:
Hereditary breast ovarian cancer syndrome. Also called: Hereditary breast and ovarian cancer syndrome (HBOC); Hereditary breast and ovarian cancer syndrome; Breast and ovarian cancer; Hereditary breast and/or ovarian cancer syndrome; Hereditary breast and ovarian cancer; BRCA1- and BRCA2-Associated Hereditary Breast and Ovarian Cancer. Identifiers: Orphanet 145, MedGen C0677776, MeSH D061325, MONDO:0003582. Disease mechanism: loss of function.
Hereditary cancer-predisposing syndrome. Also called: Neoplastic Syndromes, Hereditary; Hereditary Cancer Syndrome; Hereditary neoplastic syndrome; Tumor predisposition. Identifiers: Orphanet 140162, MedGen C0027672, MeSH D009386, MONDO:0015356.

Submissions (3):

Labcorp Genetics (formerly Invitae), Labcorp
Classification: Uncertain significance for Hereditary breast ovarian cancer syndrome. Last evaluated: 2025-10-29. Review status: criteria provided, single submitter. Criteria: Invitae Variant Classification Sherloc (09022015). Collection method: clinical testing. Allele origin: germline.
Comment: This sequence change replaces glycine, which is neutral and non-polar, with arginine, which is basic and polar, at codon 2078 of the BRCA2 protein (p.Gly2078Arg). This variant is not present in population databases (gnomAD no frequency). This variant has not been reported in the literature in individuals affected with BRCA2-related conditions. ClinVar contains an entry for this variant (Variation ID: 462400). Invitae Evidence Modeling of protein sequence and biophysical properties (such as structural, functional, and spatial information, amino acid conservation, physicochemical variation, residue mobility, and thermodynamic stability) indicates that this missense variant is not expected to disrupt BRCA2 protein function with a negative predictive value of 95%. In summary, the available evidence is currently insufficient to determine the role of this variant in disease. Therefore, it has been classified as a Variant of Uncertain Significance.

University of Washington Department of Laboratory Medicine, University of Washington
Classification: Likely benign for Hereditary cancer-predisposing syndrome. Last evaluated: 2023-03-23. Review status: criteria provided, single submitter. Criteria: Dines et al. (Genet Med. 2020). Collection method: curation. Allele origin: germline.
Comment: Missense variant in a coldspot region where missense variants are very unlikely to be pathogenic (PMID:31911673).

BRCA2 exon 11 coldspot. Reclassification based on statistical prior probability.

Ambry Genetics
Classification: Uncertain significance for Hereditary cancer-predisposing syndrome. Last evaluated: 2022-01-25. Review status: criteria provided, single submitter. Criteria: Ambry Variant Classification Scheme 2023. Collection method: clinical testing. Allele origin: germline.
Comment: The p.G2078R variant (also known as c.6232G>C), located in coding exon 10 of the BRCA2 gene, results from a G to C substitution at nucleotide position 6232. The glycine at codon 2078 is replaced by arginine, an amino acid with dissimilar properties. This amino acid position is not well conserved in available vertebrate species. In addition, the in silico prediction for this alteration is inconclusive. Since supporting evidence is limited at this time, the clinical significance of this alteration remains unclear.